The following is an entry in ClinVar:

ClinVar aggregate classification (germline): Uncertain significance (1 of 4 stars; one submission).

Conditions:
Developmental and epileptic encephalopathy, 1 (DEE1). Also called: X-linked infantile spasms; West's syndrome; Tonic spasms with clustering, arrest of psychomotor development and hypsarrhythmia on EEG; X-Linked Infantile Spasm Syndrome; OHTAHARA SYNDROME, X-LINKED; INFANTILE SPASM SYNDROME, X-LINKED 1. Identifiers: MedGen C3463992, MONDO:0010632, OMIM 308350. Disease mechanism: loss of function.
Autosomal dominant nonsyndromic hearing loss 65. Also called: TBC1D24-Related Autosomal Dominant Nonsyndromic Hearing Loss (DFNA); Deafness, autosomal dominant 65. Identifiers: Orphanet 90635, MedGen C3892048, MONDO:0014470, OMIM 616044.

Allele frequency attached by ClinVar (database versions not stated): gnomAD exomes below 0.00001.
gnomAD v4.1: 4 of 1,608,558 alleles (0.00025%); highest among the groups gnomAD compares: Non-Finnish European, 0.00034%; no homozygotes.

Submission:

Labcorp Genetics (formerly Invitae), Labcorp
Classification: Uncertain significance for Developmental and epileptic encephalopathy, 1; Autosomal dominant nonsyndromic hearing loss 65. Last evaluated: 2021-09-25. Review status: criteria provided, single submitter. Criteria: Invitae Variant Classification Sherloc (09022015). Collection method: clinical testing. Allele origin: germline.
Comment: This variant is not present in population databases (ExAC no frequency). In summary, the available evidence is currently insufficient to determine the role of this variant in disease. Therefore, it has been classified as a Variant of Uncertain Significance. Advanced modeling of protein sequence and biophysical properties (such as structural, functional, and spatial information, amino acid conservation, physicochemical variation, residue mobility, and thermodynamic stability) performed at Invitae indicates that this missense variant is expected to disrupt TBC1D24 protein function. This variant has not been reported in the literature in individuals affected with TBC1D24-related conditions. This sequence change replaces leucine with proline at codon 134 of the TBC1D24 protein (p.Leu134Pro). The leucine residue is highly conserved and there is a moderate physicochemical difference between leucine and proline.

NM_001199107.2(TBC1D24):c.401T>C (p.Leu134Pro)

Gene: TBC1D24 (TBC1 domain family member 24; plus strand). Cytogenetic location: 16p13.3.
Variant type: single nucleotide variant.
Coding change: c.401T>C on transcript NM_001199107.2 (MANE Select); coding-DNA position 401, T replaced by C.
Protein change: p.Leu134Pro; replaces leucine 134 with proline.
Molecular consequence: missense variant.
Genome position (GRCh38, 1-based): chr16:2,496,549, T>C. VCF-style: chr16-2496549-T-C. GRCh37 (hg19) VCF-style: chr16-2546550-T-C.
Other names: c.401T>C, p.Leu134Pro (NM_020705.3); short protein forms L134P.
Identifiers: ClinVar variation 1383079 (VCV001383079.6), dbSNP rs2065741689, ClinGen allele CA394375844.